The following is an entry in ClinVar:

NM_025257.3(SLC44A4):c.832G>C (p.Glu278Gln)

Gene: SLC44A4 (solute carrier family 44 member 4; minus strand). Cytogenetic location: 6p21.33.
Variant type: single nucleotide variant.
Coding change: c.832G>C on transcript NM_025257.3 (MANE Select); coding-DNA position 832, G replaced by C.
Protein change: p.Glu278Gln; replaces glutamic acid 278 with glutamine.
Molecular consequence: missense variant.
Genome position (GRCh38, 1-based): chr6:31,870,917, C>G on the plus strand (G>C on the coding strand, the complement: SLC44A4 is on the minus strand). VCF-style: chr6-31870917-C-G. GRCh37 (hg19) VCF-style: chr6-31838694-C-G.
Other names: c.832G>C (NM_025257.2); c.706G>C, p.Glu236Gln (NM_001178044.2); c.604G>C, p.Glu202Gln (NM_001178045.2); c.832G>C, p.Glu278Gln (NM_032794.1); short protein forms E278Q, E236Q, E202Q.
Identifiers: ClinVar variation 2723517 (VCV002723517.5), dbSNP rs114087269, ClinGen allele CA3725574.
Genomic context (GRCh38, chr6:31,870,917, plus strand): 5'-TGGTGGTGAAACCCAGCTGGGAGATGGAGGCGCCCTTGTCCCGCAGCACTCGGTACTCCT[C>G]CCAGCAGTAGTAGATGCCGTATGCCAGCACGCCCAGCACTCCCAGGATCAGCACCAGCAC-3'
Protein context (NP_079533.2, residues 268-288): VLAYGIYYCW[Glu278Gln]EYRVLRDKGA

ClinVar aggregate classification (germline): Benign/Likely benign. Review status: criteria provided, multiple submitters, no conflicts (2 of 4 stars). 3 submissions from 3 submitters: Benign (1); Likely benign (2). Last evaluated 2026-01-20.

Conditions:
SLC44A4-related disorder. Also called: SLC44A4-related condition.

Allele frequency attached by ClinVar (database versions not stated): gnomAD exomes 0.00019; TOPMed 0.00019; gnomAD 0.00023; ExAC 0.00033; 1000 Genomes Project 30x 0.00109; 1000 Genomes Project 0.00120.
gnomAD v4.1: 308 of 1,613,084 alleles (0.019%); highest among the groups gnomAD compares: East Asian, 0.38%; 1 homozygote.

Submissions (3):

Labcorp Genetics (formerly Invitae), Labcorp
Classification: Benign. Last evaluated: 2026-01-20. Review status: criteria provided, single submitter. Criteria: Invitae Variant Classification Sherloc (09022015). Collection method: clinical testing. Allele origin: germline.

PreventionGenetics, part of Exact Sciences
Classification: Likely benign for SLC44A4-related condition. Last evaluated: 2025-09-25. Review status: criteria provided, single submitter. Criteria: ACMG Guidelines, 2015. Collection method: clinical testing. Allele origin: germline.
Comment: This variant is classified as likely benign based on ACMG/AMP sequence variant interpretation guidelines (Richards et al. 2015 PMID: 25741868, with internal and published modifications).

Blueprint Genetics
Classification: Likely benign. Last evaluated: 2024-10-28. Review status: criteria provided, single submitter. Criteria: ACMG Guidelines, 2015. Collection method: clinical testing. Allele origin: germline.